The following is an entry in ClinVar:

ClinVar aggregate classification (germline): Uncertain significance (1 of 4 stars; one submission).

Submission:

Labcorp Genetics (formerly Invitae), Labcorp
Classification: Uncertain significance. Last evaluated: 2022-03-10. Review status: criteria provided, single submitter. Criteria: Invitae Variant Classification Sherloc (09022015). Collection method: clinical testing. Allele origin: germline.
Comment: In summary, the available evidence is currently insufficient to determine the role of this variant in disease. Therefore, it has been classified as a Variant of Uncertain Significance. Algorithms developed to predict the effect of sequence changes on RNA splicing suggest that this variant may create or strengthen a splice site. Algorithms developed to predict the effect of missense changes on protein structure and function output the following: SIFT: "Tolerated"; PolyPhen-2: "Benign"; Align-GVGD: "Class C0". The asparagine amino acid residue is found in multiple mammalian species, which suggests that this missense change does not adversely affect protein function. This variant has not been reported in the literature in individuals affected with USH2A-related conditions. This variant is not present in population databases (gnomAD no frequency). This sequence change replaces aspartic acid, which is acidic and polar, with asparagine, which is neutral and polar, at codon 4561 of the USH2A protein (p.Asp4561Asn).

NM_206933.4(USH2A):c.13681G>A (p.Asp4561Asn)

Gene: USH2A (usherin; minus strand). Cytogenetic location: 1q41.
Variant type: single nucleotide variant.
Coding change: c.13681G>A on transcript NM_206933.4 (MANE Select); coding-DNA position 13681, G replaced by A.
Protein change: p.Asp4561Asn; replaces aspartic acid 4561 with asparagine.
Molecular consequence: missense variant.
Genome position (GRCh38, 1-based): chr1:215,674,230, C>T on the plus strand (G>A on the coding strand, the complement: USH2A is on the minus strand). VCF-style: chr1-215674230-C-T. GRCh37 (hg19) VCF-style: chr1-215847572-C-T.
Other names: short protein forms D4561N.
Identifiers: ClinVar variation 2108171 (VCV002108171.4), dbSNP rs2464894032, ClinGen allele CA344843912.